The following is an entry in ClinVar:

ClinVar aggregate classification (germline): Uncertain significance. Review status: criteria provided, multiple submitters, no conflicts (2 of 4 stars). 2 submissions from 2 submitters: Uncertain significance (2). Last evaluated 2023-11-09.

Conditions:
Inborn genetic diseases. Identifiers: MedGen C0950123, MeSH D030342.

Allele frequency attached by ClinVar (database versions not stated): gnomAD exomes 0.00001.
gnomAD v4.1: 3 of 1,613,440 alleles (0.00019%); highest among the groups gnomAD compares: African/African-American, 0.0013%; no homozygotes.

Submissions (2):

Ambry Genetics
Classification: Uncertain significance for Inborn genetic diseases. Last evaluated: 2023-11-09. Review status: criteria provided, single submitter. Criteria: Ambry Variant Classification Scheme 2023. Collection method: clinical testing. Allele origin: germline.

Labcorp Genetics (formerly Invitae), Labcorp
Classification: Uncertain significance. Last evaluated: 2022-08-24. Review status: criteria provided, single submitter. Criteria: Invitae Variant Classification Sherloc (09022015). Collection method: clinical testing. Allele origin: germline.
Comment: In summary, the available evidence is currently insufficient to determine the role of this variant in disease. Therefore, it has been classified as a Variant of Uncertain Significance. Algorithms developed to predict the effect of missense changes on protein structure and function are either unavailable or do not agree on the potential impact of this missense change (SIFT: "Deleterious"; PolyPhen-2: "Benign"; Align-GVGD: "Class C0"). This variant has not been reported in the literature in individuals affected with LRP6-related conditions. This variant is not present in population databases (gnomAD no frequency). This sequence change replaces isoleucine, which is neutral and non-polar, with methionine, which is neutral and non-polar, at codon 1137 of the LRP6 protein (p.Ile1137Met).

NM_002336.3(LRP6):c.3411A>G (p.Ile1137Met)

Gene: LRP6 (LDL receptor related protein 6; minus strand). Cytogenetic location: 12p13.2.
Variant type: single nucleotide variant.
Coding change: c.3411A>G on transcript NM_002336.3 (MANE Select); coding-DNA position 3411, A replaced by G.
Protein change: p.Ile1137Met; replaces isoleucine 1137 with methionine.
Molecular consequence: missense variant.
Genome position (GRCh38, 1-based): chr12:12,138,521, T>C on the plus strand (A>G on the coding strand, the complement: LRP6 is on the minus strand). VCF-style: chr12-12138521-T-C. GRCh37 (hg19) VCF-style: chr12-12291455-T-C.
Other names: c.3411A>G (NM_002336.2); c.3504A>G, p.Ile1168Met (NM_001414244.1); c.3411A>G, p.Ile1137Met (NM_001414245.1, NM_001414246.1, NM_001414248.1 and 3 more transcripts); c.3213A>G, p.Ile1071Met (NM_001414247.1); c.2958A>G, p.Ile986Met (NM_001414252.1, NM_001414253.1, NM_001414254.1); c.2904A>G, p.Ile968Met (NM_001414255.1); short protein forms I1071M, I1137M, I986M, I1168M, I968M.
Identifiers: ClinVar variation 1941617 (VCV001941617.6), dbSNP rs1949878517, ClinGen allele CA383955175.